The following is an entry in ClinVar:

NM_002354.3(EPCAM):c.913A>G (p.Met305Val)

Gene: EPCAM (epithelial cell adhesion molecule; plus strand). Cytogenetic location: 2p21.
Variant type: single nucleotide variant.
Coding change: c.913A>G on transcript NM_002354.3 (MANE Select); coding-DNA position 913, A replaced by G.
Protein change: p.Met305Val; replaces methionine 305 with valine.
Molecular consequence: missense variant.
Genome position (GRCh38, 1-based): chr2:47,386,581, A>G. VCF-style: chr2-47386581-A-G. GRCh37 (hg19) VCF-style: chr2-47613720-A-G.
Other names: short protein forms M305V.
Identifiers: ClinVar variation 3845275 (VCV003845275.1).

ClinVar aggregate classification (germline): Uncertain significance (1 of 4 stars; one submission).

Conditions:
Hereditary cancer-predisposing syndrome. Also called: Hereditary neoplastic syndrome; Neoplastic Syndromes, Hereditary; Tumor predisposition; Hereditary Cancer Syndrome. Identifiers: Orphanet 140162, MedGen C0027672, MeSH D009386, MONDO:0015356.

gnomAD v4.1: 7 of 1,606,134 alleles (0.00044%); highest among the groups gnomAD compares: South Asian, 0.0044%; no homozygotes.

Submission:

Ambry Genetics
Classification: Uncertain significance for Hereditary cancer-predisposing syndrome. Last evaluated: 2025-02-02. Review status: criteria provided, single submitter. Criteria: Ambry Variant Classification Scheme 2023. Collection method: clinical testing. Allele origin: germline.
Comment: The p.M305V variant (also known as c.913A>G), located in coding exon 9 of the EPCAM gene, results from an A to G substitution at nucleotide position 913. The methionine at codon 305 is replaced by valine, an amino acid with highly similar properties. This amino acid position is conserved. In addition, the in silico prediction for this alteration is inconclusive. Based on the available evidence, the clinical significance of this variant remains unclear.